The following is an entry in ClinVar:

ClinVar aggregate classification (germline): Uncertain significance (1 of 4 stars; one submission).

Conditions:
Inborn genetic diseases. Identifiers: MedGen C0950123, MeSH D030342.

Allele frequency attached by ClinVar (database versions not stated): TOPMed 0.00001.

Submission:

Ambry Genetics
Classification: Uncertain significance for Inborn genetic diseases. Last evaluated: 2022-03-16. Review status: criteria provided, single submitter. Criteria: Ambry Variant Classification Scheme 2023. Collection method: clinical testing. Allele origin: germline.
Comment: The p.P123T variant (also known as c.367C>A), located in coding exon 6 of the ERCC2 gene, results from a C to A substitution at nucleotide position 367. The proline at codon 123 is replaced by threonine, an amino acid with highly similar properties. This amino acid position is conserved. In addition, the in silico prediction for this alteration is inconclusive. Since supporting evidence is limited at this time, the clinical significance of this alteration remains unclear.

NM_000400.4(ERCC2):c.367C>A (p.Pro123Thr)

Gene: ERCC2 (ERCC excision repair 2, TFIIH core complex helicase subunit; minus strand). Cytogenetic location: 19q13.32.
Variant type: single nucleotide variant.
Coding change: c.367C>A on transcript NM_000400.4 (MANE Select); coding-DNA position 367, C replaced by A.
Protein change: p.Pro123Thr; replaces proline 123 with threonine.
Molecular consequence: missense variant.
Genome position (GRCh38, 1-based): chr19:45,365,152, G>T on the plus strand (C>A on the coding strand, the complement: ERCC2 is on the minus strand). VCF-style: chr19-45365152-G-T. GRCh37 (hg19) VCF-style: chr19-45868410-G-T.
Other names: c.295C>A, p.Pro99Thr (NM_001130867.2); short protein forms P123T, P99T.
Identifiers: ClinVar variation 1733859 (VCV001733859.2), dbSNP rs994071519, ClinGen allele CA308970229.